The following is an entry in ClinVar:

ClinVar aggregate classification (germline): Uncertain significance. Review status: criteria provided, single submitter (1 of 4 stars). 2 submissions from 2 submitters: Uncertain significance (1). 1 of the submissions does not count toward it. Last evaluated 2022-03-10.

Conditions:
Retinitis pigmentosa 25 (RP25). Identifiers: Orphanet 791, MedGen C1864446, MONDO:0011272, OMIM 602772.

Allele frequency attached by ClinVar (database versions not stated): gnomAD exomes 0.00001; TOPMed 0.00001.
gnomAD v4.1: 9 of 1,614,184 alleles (0.00056%); highest among the groups gnomAD compares: Non-Finnish European, 0.00068%; no homozygotes.

Submissions (2):

Labcorp Genetics (formerly Invitae), Labcorp
Classification: Uncertain significance. Last evaluated: 2022-03-10. Review status: criteria provided, single submitter. Criteria: Invitae Variant Classification Sherloc (09022015). Collection method: clinical testing. Allele origin: germline.
Comment: This sequence change replaces glutamic acid, which is acidic and polar, with glycine, which is neutral and non-polar, at codon 121 of the EYS protein (p.Glu121Gly). This variant is not present in population databases (gnomAD no frequency). This variant has not been reported in the literature in individuals affected with EYS-related conditions. ClinVar contains an entry for this variant (Variation ID: 949321). Algorithms developed to predict the effect of missense changes on protein structure and function (SIFT, PolyPhen-2, Align-GVGD) all suggest that this variant is likely to be tolerated. In summary, the available evidence is currently insufficient to determine the role of this variant in disease. Therefore, it has been classified as a Variant of Uncertain Significance.

Natera, Inc.
Classification: Uncertain significance for Retinitis pigmentosa type 25. Last evaluated: 2020-07-10. Review status: no assertion criteria provided. Collection method: clinical testing. Allele origin: germline. Not counted in ClinVar's aggregate classification.

NM_001142800.2(EYS):c.362A>G (p.Glu121Gly)

Gene: EYS (eyes shut homolog; minus strand). Cytogenetic location: 6q12.
Variant type: single nucleotide variant.
Coding change: c.362A>G on transcript NM_001142800.2 (MANE Select); coding-DNA position 362, A replaced by G.
Protein change: p.Glu121Gly; replaces glutamic acid 121 with glycine.
Molecular consequence: missense variant.
Genome position (GRCh38, 1-based): chr6:65,495,049, T>C on the plus strand (A>G on the coding strand, the complement: EYS is on the minus strand). VCF-style: chr6-65495049-T-C. GRCh37 (hg19) VCF-style: chr6-66204942-T-C.
Other names: c.362A>G, p.Glu121Gly (NM_001142801.2, NM_001292009.2, NM_198283.2); short protein forms E121G.
Identifiers: ClinVar variation 949321 (VCV000949321.4), dbSNP rs1766196909, ClinGen allele CA364790084.